The following is an entry in ClinVar:

NM_177438.3(DICER1):c.2256+5G>C

Gene: DICER1 (dicer 1, ribonuclease III; minus strand). Cytogenetic location: 14q32.13.
Variant type: single nucleotide variant.
Coding change: c.2256+5G>C on transcript NM_177438.3 (MANE Select); 5 bases into the intron after coding-DNA position 2256, G replaced by C.
Molecular consequence: intron variant.
Genome position (GRCh38, 1-based): chr14:95,111,312, C>G on the plus strand (G>C on the coding strand, the complement: DICER1 is on the minus strand). VCF-style: chr14-95111312-C-G. GRCh37 (hg19) VCF-style: chr14-95577649-C-G.
Other names: c.2256+5G>C (NM_001291628.2, NM_030621.4, NM_001271282.3 and 1 more transcripts).
Identifiers: ClinVar variation 645957 (VCV000645957.10), dbSNP rs1595390864, ClinGen allele CA915946393.

ClinVar aggregate classification (germline): Likely pathogenic. Review status: reviewed by expert panel (3 of 4 stars). 3 submissions from 3 submitters: Likely pathogenic (1). 2 of the submissions do not count toward it. Last evaluated 2025-02-25.

Conditions:
DICER1-related tumor predisposition. Also called: DICER1 syndrome; DICER1-related pleuropulmonary blastoma cancer predisposition syndrome. Identifiers: Orphanet 284343, MedGen C3839822, MONDO:0100216.
Hereditary cancer-predisposing syndrome. Also called: Neoplastic Syndromes, Hereditary; Hereditary Cancer Syndrome; Hereditary neoplastic syndrome; Tumor predisposition. Identifiers: Orphanet 140162, MedGen C0027672, MeSH D009386, MONDO:0015356.

Submissions (3):

ClinGen DICER1 and miRNA-Processing Gene Variant Curation Expert Panel, ClinGen
Classification: Likely pathogenic for DICER1-related tumor predisposition. Last evaluated: 2025-02-25. Review status: reviewed by expert panel. Criteria: ClinGen DICER1 ACMG Specifications DICER1 V1.3.0. Collection method: curation. Allele origin: germline. Inheritance: Autosomal dominant inheritance.
Comment: The NM_177438.2:c.2256+5G>C variant in DICER1 is an intronic variant which is located in intron 14, 5 nucleotides downstream from exon 14. This variant received a total of 1 phenotype point across 1 proband meeting DICER1 VCEP phenotype specificity scoring criteria of 1-1.5 points (PS4_Supporting; Internal lab contributors). This variant is absent from gnomAD v4.1.0 (PM2_Supporting). Sequencing of RNA from patients showed an out-of-frame impact on splicing, indicating that this variant impacts protein function (PS3; Internal lab contributors). The splice site predictors MaxEntScan and SpliceAI indicate that the variant impacts splicing, evidence that correlates with impact to DICER1 function (PP3). In summary, this variant meets the criteria to be classified as Likely Pathogenic for DICER1-related tumor predisposition based on the ACMG/AMP criteria applied, as specified by the ClinGen DICER1 VCEP: PS4_Supporting, PM2_Supporting, PS3, PP3. (Bayesian Points: 7; VCEP specifications version 1.3.0; 02/25/2025)

Ambry Genetics
Classification: Likely pathogenic for Hereditary cancer-predisposing syndrome. Last evaluated: 2024-03-29. Review status: criteria provided, single submitter. Criteria: Ambry Variant Classification Scheme 2023. Collection method: clinical testing. Allele origin: germline. Not counted in ClinVar's aggregate classification.
Comment: The c.2256+5G>C intronic variant results from a G to C substitution 5 nucleotides after coding exon 13 in the DICER1 gene. This variant has been observed in at least one individual with a personal and/or family history that is consistent with DICER1-related tumor predisposition syndrome (Ambry internal data). This nucleotide position is highly conserved in available vertebrate species. In silico splice site analysis predicts that this alteration will weaken the native splice donor site and may result in the creation or strengthening of a novel splice donor site. RNA studies have demonstrated that this alteration results in abnormal splicing in the set of samples tested (Ambry internal data). Based on the majority of available evidence to date, this variant is likely to be pathogenic.

Labcorp Genetics (formerly Invitae), Labcorp
Classification: Uncertain significance for DICER1-related tumor predisposition. Last evaluated: 2018-08-31. Review status: criteria provided, single submitter. Criteria: Invitae Variant Classification Sherloc (09022015). Collection method: clinical testing. Allele origin: germline. Not counted in ClinVar's aggregate classification.
Comment: Nucleotide substitutions within the consensus splice site are a relatively common cause of aberrant splicing (PMID: 17576681, 9536098). Algorithms developed to predict the effect of sequence changes on RNA splicing suggest that this variant may disrupt the consensus splice site, but this prediction has not been confirmed by published transcriptional studies. This variant has not been reported in the literature in individuals with DICER1-related disease. This variant is not present in population databases (ExAC no frequency). This sequence change falls in intron 14 of the DICER1 gene. It does not directly change the encoded amino acid sequence of the DICER1 protein, but it affects a nucleotide within the consensus splice site of the intron. In summary, the available evidence is currently insufficient to determine the role of this variant in disease. Therefore, it has been classified as a Variant of Uncertain Significance.

Literature cited by the submitters: PubMed 17576681 (cited by Labcorp Genetics (formerly Invitae), Labcorp); PubMed 9536098 (cited by Labcorp Genetics (formerly Invitae), Labcorp).